The following is an entry in ClinVar:

ClinVar aggregate classification (germline): Likely benign. Review status: criteria provided, multiple submitters, no conflicts (2 of 4 stars). 6 submissions from 6 submitters: Likely benign (6). Last evaluated 2026-01-29.

Conditions:
Muscular dystrophy-dystroglycanopathy (congenital with brain and eye anomalies), type A14. Also called: WALKER-WARBURG SYNDROME OR MUSCLE-EYE-BRAIN DISEASE, GMPPB-RELATED; Muscular dystrophy-dystroglycanopathy (congenital with brain and eye anomalies), type a, 14; Congenital Muscular Dystrophy-Dystroglycanopathy with Brain and Eye Anomalies Type A 14; Congenital muscular dystrophy-dystroglycanopathy with brain and eye anomalies, type A14. Identifiers: Orphanet 588, MedGen C3809216, MONDO:0014140, OMIM 615350.
Muscular dystrophy-dystroglycanopathy (congenital with impaired intellectual development), type B, 14. Also called: Muscular dystrophy-dystroglycanopathy (congenital with intellectual disability), type B14; MUSCULAR DYSTROPHY, CONGENITAL, GMPPB-RELATED; Congenital muscular dystrophy-dystroglycanopathy with mental retardation, type B14. Identifiers: MedGen C3809221, MONDO:0014141, OMIM 615351.
Autosomal recessive limb-girdle muscular dystrophy type 2T. Also called: MUSCULAR DYSTROPHY-DYSTROGLYCANOPATHY, LIMB-GIRDLE, GMPPB-RELATED; MUSCULAR DYSTROPHY, LIMB-GIRDLE, TYPE 2T; Muscular dystrophy-dystroglycanopathy (limb-girdle), type c, 14; Limb-girdle muscular dystrophy-dystroglycanopathy, type C14. Identifiers: Orphanet 363623, MedGen C4518000, MONDO:0014142, OMIM 615352.

Allele frequency attached by ClinVar (database versions not stated): 1000 Genomes Project 0.00040; 1000 Genomes Project 30x 0.00047; gnomAD 0.00113 and 0.00105; gnomAD exomes 0.00012 and 0.00027; ExAC 0.00025; ESP Exome Variant Server 0.00100; TOPMed 0.00122.

Submissions (6):

Labcorp Genetics (formerly Invitae), Labcorp
Classification: Likely benign for Autosomal recessive limb-girdle muscular dystrophy type 2T; Muscular dystrophy-dystroglycanopathy (congenital with brain and eye anomalies), type A14; Muscular dystrophy-dystroglycanopathy (congenital with impaired intellectual development), type B, 14. Last evaluated: 2026-01-29. Review status: criteria provided, single submitter. Criteria: Invitae Variant Classification Sherloc (09022015). Collection method: clinical testing. Allele origin: germline.

CeGaT Center for Human Genetics Tuebingen
Classification: Likely benign. Last evaluated: 2025-08-01. Review status: criteria provided, single submitter. Criteria: CeGaT Center For Human Genetics Tuebingen Variant Classification Criteria Version 2. Collection method: clinical testing. Allele origin: germline. Affected: yes. Observed: 1 variant allele.
Comment: GMPPB: BP4, BP7

Blueprint Genetics
Classification: Likely benign. Last evaluated: 2024-02-16. Review status: criteria provided, single submitter. Criteria: ACMG Guidelines, 2015. Collection method: clinical testing. Allele origin: germline.

GeneDx
Classification: Likely benign. Last evaluated: 2020-10-13. Review status: criteria provided, single submitter. Criteria: GeneDx Variant Classification Process June 2021. Collection method: clinical testing. Allele origin: germline. Affected: yes.

Genetic Services Laboratory, University of Chicago
Classification: Likely benign. Last evaluated: 2016-08-09. Review status: criteria provided, single submitter. Criteria: ACMG Guidelines, 2015. Collection method: clinical testing. Allele origin: germline. Affected: no.

Breakthrough Genomics
Classification: Likely benign. Review status: criteria provided, single submitter. Criteria: ACMG Guidelines, 2015. Collection method: not provided. Allele origin: germline. Inheritance: Autosomal recessive inheritance. Affected: yes.

NM_021971.4(GMPPB):c.1017C>T (p.Asn339=)

Gene: GMPPB (GDP-mannose pyrophosphorylase B; minus strand). Cytogenetic location: 3p21.31.
Variant type: single nucleotide variant.
Coding change: c.1017C>T on transcript NM_021971.4 (MANE Select); coding-DNA position 1017, C replaced by T.
Protein change: p.Asn339=; no amino-acid change (asparagine 339 retained).
Molecular consequence: synonymous variant.
Genome position (GRCh38, 1-based): chr3:49,721,818, G>A on the plus strand (C>T on the coding strand, the complement: GMPPB is on the minus strand). VCF-style: chr3-49721818-G-A. GRCh37 (hg19) VCF-style: chr3-49759251-G-A.
Other names: c.1098C>T, p.Asn366= (NM_013334.4).
Identifiers: ClinVar variation 391583 (VCV000391583.26), dbSNP rs147074020, ClinGen allele CA2405365.